The following is an entry in ClinVar:

NM_001710.6(CFB):c.1025T>C (p.Ile342Thr)

Gene: CFB (complement factor B; plus strand). Cytogenetic location: 6p21.33.
Variant type: single nucleotide variant.
Coding change: c.1025T>C on transcript NM_001710.6 (MANE Select); coding-DNA position 1025, T replaced by C.
Protein change: p.Ile342Thr; replaces isoleucine 342 with threonine.
Molecular consequence: missense variant.
Genome position (GRCh38, 1-based): chr6:31,948,501, T>C. VCF-style: chr6-31948501-T-C. GRCh37 (hg19) VCF-style: chr6-31916278-T-C.
Other names: short protein forms I342T.
Identifiers: ClinVar variation 4280403 (VCV004280403.1).

ClinVar aggregate classification (germline): Uncertain significance (1 of 4 stars; one submission).

Conditions:
Atypical hemolytic-uremic syndrome. Identifiers: Orphanet 2134, MedGen C2931788, MONDO:0016244.

Submission:

Genomenon, Inc
Classification: Uncertain significance for Atypical hemolytic-uremic syndrome. Last evaluated: 2025-09-26. Review status: criteria provided, single submitter. Criteria: Genomenon Sequence Variant Interpretation Standards - Updated. Collection method: curation. Allele origin: germline. Affected: no.
Comment: CFB p.Ile342Thr (c.1025T>C) is a missense variant that changes the amino acid at residue 342 from Isoleucine to Threonine. This variant has been reported in the published literature (PMID:36306276). It is absent or not present at a significant frequency in gnomAD. In silico models agree that this variant is possibly or probably damaging. In conclusion, we classify CFB p.Ile342Thr (c.1025T>C) as a variant of uncertain significance.

Literature cited by the submitters: PubMed 36306276.